The following is an entry in ClinVar:

ClinVar aggregate classification (germline): Uncertain significance (1 of 4 stars; one submission).

Conditions:
Infantile-onset ascending hereditary spastic paralysis (IAHSP). Also called: Autosomal Recessive Juvenile Amyotrophic Lateral Sclerosis; Infantile-Onset Ascending Hereditary Spastic Paralysis (IAHSP). Identifiers: Orphanet 293168, MedGen C2931441, MONDO:0011797, OMIM 607225. Disease mechanism: loss of function.

Allele frequency attached by ClinVar (database versions not stated): gnomAD exomes below 0.00001; ExAC 0.00001; ESP Exome Variant Server 0.00008.
gnomAD v4.1: 8 of 1,614,148 alleles (0.0005%); highest among the groups gnomAD compares: Non-Finnish European, 0.00059%; no homozygotes.

Submission:

Labcorp Genetics (formerly Invitae), Labcorp
Classification: Uncertain significance for Infantile-onset ascending hereditary spastic paralysis. Last evaluated: 2021-11-23. Review status: criteria provided, single submitter. Criteria: Invitae Variant Classification Sherloc (09022015). Collection method: clinical testing. Allele origin: germline.
Comment: In summary, the available evidence is currently insufficient to determine the role of this variant in disease. Therefore, it has been classified as a Variant of Uncertain Significance. Algorithms developed to predict the effect of missense changes on protein structure and function are either unavailable or do not agree on the potential impact of this missense change (SIFT: "Deleterious"; PolyPhen-2: "Possibly Damaging"; Align-GVGD: "Class C0"). This variant has not been reported in the literature in individuals affected with ALS2-related conditions. This variant is present in population databases (rs377400784, gnomAD 0.002%). This sequence change replaces proline, which is neutral and non-polar, with serine, which is neutral and polar, at codon 1029 of the ALS2 protein (p.Pro1029Ser).

NM_020919.4(ALS2):c.3085C>T (p.Pro1029Ser)

Gene: ALS2 (alsin Rho guanine nucleotide exchange factor ALS2; minus strand). Cytogenetic location: 2q33.1.
Variant type: single nucleotide variant.
Coding change: c.3085C>T on transcript NM_020919.4 (MANE Select); coding-DNA position 3085, C replaced by T.
Protein change: p.Pro1029Ser; replaces proline 1029 with serine.
Molecular consequence: missense variant.
Genome position (GRCh38, 1-based): chr2:201,726,761, G>A on the plus strand (C>T on the coding strand, the complement: ALS2 is on the minus strand). VCF-style: chr2-201726761-G-A. GRCh37 (hg19) VCF-style: chr2-202591484-G-A.
Other names: short protein forms P1029S.
Identifiers: ClinVar variation 1441226 (VCV001441226.4), dbSNP rs377400784, ClinGen allele CA2057988.